The following is an entry in ClinVar:

NM_001292063.2(OTOG):c.3613G>A (p.Val1205Ile)

Gene: OTOG (otogelin; plus strand). Cytogenetic location: 11p15.1.
Variant type: single nucleotide variant.
Coding change: c.3613G>A on transcript NM_001292063.2 (MANE Select); coding-DNA position 3613, G replaced by A.
Protein change: p.Val1205Ile; replaces valine 1205 with isoleucine.
Molecular consequence: missense variant.
Genome position (GRCh38, 1-based): chr11:17,596,938, G>A. VCF-style: chr11-17596938-G-A. GRCh37 (hg19) VCF-style: chr11-17618485-G-A.
Other names: c.3649G>A, p.Val1217Ile (NM_001277269.2); short protein forms V1205I, V1217I.
Identifiers: ClinVar variation 1723120 (VCV001723120.5), dbSNP rs538001611, ClinGen allele CA218462160.

ClinVar aggregate classification (germline): Uncertain significance. Review status: criteria provided, multiple submitters, no conflicts (2 of 4 stars). 2 submissions from 2 submitters: Uncertain significance (2). Last evaluated 2024-12-11.

Allele frequency attached by ClinVar (database versions not stated): gnomAD exomes 0.00002; gnomAD 0.00015; 1000 Genomes Project 0.00020; 1000 Genomes Project 30x 0.00031.
gnomAD v4.1: 57 of 1,550,740 alleles (0.0037%); highest among the groups gnomAD compares: Admixed American, 0.053%; 2 homozygotes.

Submissions (2):

GeneDx
Classification: Uncertain significance. Last evaluated: 2024-12-11. Review status: criteria provided, single submitter. Criteria: GeneDx Variant Classification Process June 2021. Collection method: clinical testing. Allele origin: germline. Affected: yes.
Comment: In silico analysis indicates that this missense variant does not alter protein structure/function; Has not been previously published as pathogenic or benign to our knowledge

Labcorp Genetics (formerly Invitae), Labcorp
Classification: Uncertain significance. Last evaluated: 2022-07-15. Review status: criteria provided, single submitter. Criteria: Invitae Variant Classification Sherloc (09022015). Collection method: clinical testing. Allele origin: germline.
Comment: This sequence change replaces valine, which is neutral and non-polar, with isoleucine, which is neutral and non-polar, at codon 1217 of the OTOG protein (p.Val1217Ile). This variant is present in population databases (rs538001611, gnomAD 0.04%). This variant has not been reported in the literature in individuals affected with OTOG-related conditions. Algorithms developed to predict the effect of missense changes on protein structure and function are either unavailable or do not agree on the potential impact of this missense change (SIFT: "Deleterious"; PolyPhen-2: "Benign"; Align-GVGD: "Class C25"). In summary, the available evidence is currently insufficient to determine the role of this variant in disease. Therefore, it has been classified as a Variant of Uncertain Significance.